The following is an entry in ClinVar:

NM_000094.4(COL7A1):c.1097G>C (p.Gly366Ala)

Gene: COL7A1 (collagen type VII alpha 1 chain; minus strand). Cytogenetic location: 3p21.31.
Variant type: single nucleotide variant.
Coding change: c.1097G>C on transcript NM_000094.4 (MANE Select); coding-DNA position 1097, G replaced by C.
Protein change: p.Gly366Ala; replaces glycine 366 with alanine.
Molecular consequence: missense variant.
Genome position (GRCh38, 1-based): chr3:48,592,245, C>G on the plus strand (G>C on the coding strand, the complement: COL7A1 is on the minus strand). VCF-style: chr3-48592245-C-G. GRCh37 (hg19) VCF-style: chr3-48629678-C-G.
Other names: short protein forms G366A.
Identifiers: ClinVar variation 3623315 (VCV003623315.2).
Genomic context (GRCh38, chr3:48,592,245, plus strand): 5'-TCCAAGTCACGCAGCAACACTGAACCCTGCCCAGGGCCCAGCTCCTGCTGCTGTGTGGGC[C>G]CACCTGCATGGGGGACACCAAGGGGCCAGTGGGCCTTGCAGACTCAGGACTCTACAGCCT-3'
Protein context (NP_000085.1, residues 356-376): YRVTWRVLSG[Gly366Ala]PTQQQELGPG

ClinVar aggregate classification (germline): Uncertain significance (1 of 4 stars; one submission).

gnomAD v4.1: 3 of 1,613,756 alleles (0.00019%); highest among the groups gnomAD compares: Non-Finnish European, 0.00025%; no homozygotes.

Submission:

Labcorp Genetics (formerly Invitae), Labcorp
Classification: Uncertain significance. Last evaluated: 2024-08-14. Review status: criteria provided, single submitter. Criteria: Invitae Variant Classification Sherloc (09022015). Collection method: clinical testing. Allele origin: germline.
Comment: This sequence change replaces glycine, which is neutral and non-polar, with alanine, which is neutral and non-polar, at codon 366 of the COL7A1 protein (p.Gly366Ala). This variant is not present in population databases (gnomAD no frequency). This variant has not been reported in the literature in individuals affected with COL7A1-related conditions. Invitae Evidence Modeling of protein sequence and biophysical properties (such as structural, functional, and spatial information, amino acid conservation, physicochemical variation, residue mobility, and thermodynamic stability) indicates that this missense variant is not expected to disrupt COL7A1 protein function with a negative predictive value of 95%. In summary, the available evidence is currently insufficient to determine the role of this variant in disease. Therefore, it has been classified as a Variant of Uncertain Significance.